The following is an entry in ClinVar:

ClinVar aggregate classification (germline): Uncertain significance. Review status: criteria provided, multiple submitters, no conflicts (2 of 4 stars). 3 submissions from 3 submitters: Uncertain significance (3). Last evaluated 2024-12-31.

Conditions:
Familial melanoma. Also called: Hereditary melanoma; Hereditary cutaneous melanoma. Identifiers: Orphanet 618, MedGen C1512419, MONDO:0018961.
Hereditary cancer-predisposing syndrome. Also called: Neoplastic Syndromes, Hereditary; Tumor predisposition; Hereditary Cancer Syndrome; Hereditary neoplastic syndrome. Identifiers: Orphanet 140162, MedGen C0027672, MeSH D009386, MONDO:0015356.

gnomAD v4.1: 1 of 1,605,632 alleles (0.000062%); highest among the groups gnomAD compares: Non-Finnish European, 0.000085%; no homozygotes.

Submissions (3):

Quest Diagnostics Nichols Institute San Juan Capistrano
Classification: Uncertain significance. Last evaluated: 2024-12-31. Review status: criteria provided, single submitter. Criteria: Quest Diagnostics criteria. Collection method: clinical testing. Allele origin: unknown.
Comment: The CDKN2A p16 ARF c.286G>A (p.Val96Met) variant has not been reported in individuals with CDKN2A-related conditions in the published literature. It also has not been reported in large, multi-ethnic general populations (Genome Aggregation Database). Analysis of this variant using bioinformatics tools for the prediction of the effect of amino acid changes on protein structure and function yielded conflicting predictions that this variant is damaging and benign. In the p14 ARF, this variant is known as NM_058195.3(CDKN2A):c.329G>A (p.Gly110Asp). To the best of our knowledge, this variant has not been reported in the published literature. It also has not been reported in large, multi-ethnic general populations (Genome Aggregation Database). Analysis of this variant using bioinformatics tools for the prediction of the effect of amino acid changes on protein structure and function yielded conflicting predictions that this variant is damaging and benign. Based on the available information, we are unable to determine the clinical significance of p16 ARF NM_000077.4(CDKN2A):c.286G>A and p14 NM_058195.3(CDKN2A):c.329G>A (p.Gly110Asp) variants.

Labcorp Genetics (formerly Invitae), Labcorp
Classification: Uncertain significance for Familial melanoma. Last evaluated: 2024-06-19. Review status: criteria provided, single submitter. Criteria: Invitae Variant Classification Sherloc (09022015). Collection method: clinical testing. Allele origin: germline.
Comment: The CDKN2A gene encodes two different proteins, p16INK4a and p14ARF, which are translated from alternative transcripts with different open reading frames. Both transcripts have been analyzed. We report either the variant with the higher classification or default to the CDKN2A (p16INK4a) variant. This report therefore includes the details for the CDKN2A (p16INK4a) variant. This sequence change replaces valine, which is neutral and non-polar, with methionine, which is neutral and non-polar, at codon 96 of the CDKN2A (p16INK4a) protein (p.Val96Met). This variant is not present in population databases (gnomAD no frequency). This variant has not been reported in the literature in individuals affected with CDKN2A (p16INK4a)-related conditions. This variant is also known as c.329G>A (p.Gly110Asp) in CDKN2A (p14ARF) transcript. ClinVar contains an entry for this variant (Variation ID: 821875). An algorithm developed to predict the effect of missense changes on protein structure and function (PolyPhen-2) suggests that this variant is likely to be tolerated. In summary, the available evidence is currently insufficient to determine the role of this variant in disease. Therefore, it has been classified as a Variant of Uncertain Significance.

Ambry Genetics
Classification: Uncertain significance for Hereditary cancer-predisposing syndrome. Last evaluated: 2019-11-15. Review status: criteria provided, single submitter. Criteria: Ambry Variant Classification Scheme 2023. Collection method: clinical testing. Allele origin: germline.
Comment: The p.V96M variant (also known as c.286G>A), located in coding exon 2 of the CDKN2A gene, results from a G to A substitution at nucleotide position 286. The valine at codon 96 is replaced by methionine, an amino acid with highly similar properties. This amino acid position is poorly conserved in available vertebrate species. In addition, the in silico prediction for this alteration is inconclusive. Since supporting evidence is limited at this time, the clinical significance of this alteration remains unclear.

NM_000077.5(CDKN2A):c.286G>A (p.Val96Met)

Gene: CDKN2A (cyclin dependent kinase inhibitor 2A; minus strand). Cytogenetic location: 9p21.3.
Variant type: single nucleotide variant.
Coding change: c.286G>A on transcript NM_000077.5; coding-DNA position 286, G replaced by A.
Protein change: p.Val96Met; replaces valine 96 with methionine.
Molecular consequence: missense variant (on NM_000077.6). On other transcripts: 3 prime UTR variant (1).
Genome position (GRCh38, 1-based): chr9:21,971,073, C>T on the plus strand (G>A on the coding strand, the complement: CDKN2A is on the minus strand). VCF-style: chr9-21971073-C-T. GRCh37 (hg19) VCF-style: chr9-21971072-C-T.
Other names: c.286G>A, p.Val96Met (NM_000077.6, NM_001195132.2); c.133G>A, p.Val45Met (NM_001363763.2); c.329G>A, p.Gly110Asp (NM_058195.4); c.*209G>A (NM_058197.5); short protein forms V45M, G110D, V96M.
Identifiers: ClinVar variation 821875 (VCV000821875.7), dbSNP rs1587331506, ClinGen allele CA373086140.